The following is an entry in ClinVar:

NM_000260.4(MYO7A):c.141G>A (p.Trp47Ter)

Gene: MYO7A (myosin VIIA; plus strand). Cytogenetic location: 11q13.5.
Variant type: single nucleotide variant.
Coding change: c.141G>A on transcript NM_000260.4 (MANE Select); coding-DNA position 141, G replaced by A.
Protein change: p.Trp47Ter; replaces tryptophan 47 with a stop codon.
Molecular consequence: nonsense.
Genome position (GRCh38, 1-based): chr11:77,147,806, G>A. VCF-style: chr11-77147806-G-A. GRCh37 (hg19) VCF-style: chr11-76858852-G-A.
Other names: c.108G>A, p.Trp36Ter (NM_001369365.1); c.141G>A, p.Trp47Ter (NM_001127180.2); short protein forms W47*, W36*.
Identifiers: ClinVar variation 43146 (VCV000043146.5), dbSNP rs397516285, ClinGen allele CA278627.

ClinVar aggregate classification (germline): Pathogenic (1 of 4 stars; one submission).

Conditions:
Rare genetic deafness. Identifiers: Orphanet 96210, MedGen C5680250.

Submission:

Laboratory for Molecular Medicine, Mass General Brigham Personalized Medicine
Classification: Pathogenic for Rare genetic deafness. Last evaluated: 2012-05-14. Review status: criteria provided, single submitter. Criteria: LMM Criteria. Collection method: clinical testing. Allele origin: germline. Inheritance: Autosomal recessive inheritance. Observed: 1 variant allele.
Comment: The Trp47X variant (MYO7A) has not been reported in the literature nor previousl y identified by our laboratory. This nonsense variant leads to a premature termi nation codon at position 47, which is predicted to lead to a truncated or absent protein. In summary, this variant meets our criteria to be classified as pathog enic.